The following is an entry in ClinVar:

NM_001330078.2(NRXN1):c.3547-162G>A

Gene: NRXN1 (neurexin 1; minus strand). Cytogenetic location: 2p16.3.
Variant type: single nucleotide variant.
Coding change: c.3547-162G>A on transcript NM_001330078.2 (MANE Select); 162 bases into the intron before coding-DNA position 3547, G replaced by A.
Molecular consequence: intron variant.
Genome position (GRCh38, 1-based): chr2:50,091,656, C>T on the plus strand (G>A on the coding strand, the complement: NRXN1 is on the minus strand). VCF-style: chr2-50091656-C-T. GRCh37 (hg19) VCF-style: chr2-50318794-C-T.
Other names: c.3436-162G>A (NM_001330096.2, NM_001330087.2); c.3481-162G>A (NM_001330083.2, NM_001330084.2); c.3466-162G>A (NM_001330088.2); c.3544-162G>A (NM_001330093.2); c.3535-162G>A (NM_001330094.2); c.3496-162G>A (NM_001330095.2); c.3523-162G>A (NM_001330082.2, NM_001330077.2); c.3520-162G>A (NM_001330085.2); and 3 more.
Identifiers: ClinVar variation 677519 (VCV000677519.1), dbSNP rs78497262, ClinGen allele CA47843205.

ClinVar aggregate classification (germline): Benign (1 of 4 stars; one submission).

Allele frequency attached by ClinVar (database versions not stated): gnomAD 0.02018 and 0.02144; TOPMed 0.02233; 1000 Genomes Project 0.02456; 1000 Genomes Project 30x 0.02467.
gnomAD v4.1: 3,037 of 152,314 alleles (2%); highest among the groups gnomAD compares: African/African-American, 7%; 111 homozygotes.

Submission:

GeneDx
Classification: Benign. Last evaluated: 2018-06-14. Review status: criteria provided, single submitter. Criteria: GeneDx Variant Classification (06012015). Collection method: clinical testing. Allele origin: germline. Affected: yes.
Comment: This variant is considered likely benign or benign based on one or more of the following criteria: it is a conservative change, it occurs at a poorly conserved position in the protein, it is predicted to be benign by multiple in silico algorithms, and/or has population frequency not consistent with disease.